The following is an entry in ClinVar:

NM_015215.4(CAMTA1):c.3016G>T (p.Gly1006Cys)

Gene: CAMTA1 (calmodulin binding transcription activator 1; plus strand). Cytogenetic location: 1p36.23.
Variant type: single nucleotide variant.
Coding change: c.3016G>T on transcript NM_015215.4 (MANE Select); coding-DNA position 3016, G replaced by T.
Protein change: p.Gly1006Cys; replaces glycine 1006 with cysteine.
Molecular consequence: missense variant.
Genome position (GRCh38, 1-based): chr1:7,732,549, G>T. VCF-style: chr1-7732549-G-T. GRCh37 (hg19) VCF-style: chr1-7792609-G-T.
Other names: c.88G>T, p.Gly30Cys (NM_001349623.1, NM_001349624.3, NM_001349625.2 and 10 more transcripts); c.3016G>T, p.Gly1006Cys (NM_001410737.1, NM_001349609.2, NM_001349610.2); c.2944G>T, p.Gly982Cys (NM_001410738.1); c.2926G>T, p.Gly976Cys (NM_001349608.2, NM_001349612.2); c.145G>T, p.Gly49Cys (NM_001349613.1); short protein forms G1006C, G30C, G49C, G976C, G982C.
Identifiers: ClinVar variation 3371361 (VCV003371361.2).

ClinVar aggregate classification (germline): Uncertain significance (1 of 4 stars; one submission).

gnomAD v4.1: 8 of 1,613,318 alleles (0.0005%); highest among the groups gnomAD compares: Non-Finnish European, 0.00068%; no homozygotes.

Submission:

GeneDx
Classification: Uncertain significance. Last evaluated: 2026-01-15. Review status: criteria provided, single submitter. Criteria: GeneDx Variant Classification Process June 2021. Collection method: clinical testing. Allele origin: germline. Affected: yes.
Comment: Not observed at significant frequency in large population cohorts (gnomAD); In silico analysis supports that this missense variant has a deleterious effect on protein structure/function; Has not been previously published as pathogenic or benign to our knowledge